The following is an entry in ClinVar:

ClinVar aggregate classification (germline): Pathogenic/Likely pathogenic. Review status: criteria provided, multiple submitters, no conflicts (2 of 4 stars). 2 submissions from 2 submitters: Pathogenic (1); Likely pathogenic (1). Last evaluated 2024-03-25.

Conditions:
Lipid proteinosis. Also called: lipoid proteinosis; HYALINOSIS CUTIS ET MUCOSAE; Lipoid Proteinosis of Urbach and Wiethe; Urbach Wiethe disease. Identifiers: Orphanet 530, MedGen C0023795, MONDO:0009530, OMIM 247100.

Allele frequency attached by ClinVar (database versions not stated): TOPMed 0.00001.
gnomAD v4.1: 4 of 1,613,752 alleles (0.00025%); highest among the groups gnomAD compares: African/African-American, 0.0027%; no homozygotes.

Submissions (2):

Medical Genetics Laboratory, Etlik City Hospital
Classification: Pathogenic for Lipid proteinosis. Last evaluated: 2024-03-25. Review status: criteria provided, single submitter. Criteria: ACMG Guidelines, 2015. Collection method: clinical testing. Allele origin: biparental. Inheritance: Autosomal recessive inheritance. Affected: yes. Observed: 1 homozygote.
Comment: This variant was absent in population databases, including Turkish Variome, ExAC, and gnomAD. According to the ACMG interpretation standards, c.1246C>T was classified as a pathogenic variant (PVS1, PM2, PP1, PP4).

Neuberg Centre For Genomic Medicine, NCGM
Classification: Likely pathogenic for Lipid proteinosis. Review status: criteria provided, single submitter. Criteria: ACMG Guidelines, 2015. Collection method: clinical testing. Allele origin: germline. Inheritance: Autosomal recessive inheritance. Affected: yes.
Comment: The c.1327C>T(p.Arg443Ter) variant in ECM1 has been reported previously in homozygous state in individual affected with lipoid proteinosis (Srinivas, Sahana M., et al.). The p.Arg443Ter variant is reported with the allele frequency of 003189% in gnomAD Exomes and is novel (not in any individuals) in 1000 Genomes. This variant is predicted to cause loss of normal protein function through protein truncation. Loss of function variants have been previously reported to be disease causing. For these reasons, this variant has been classified as Likely Pathogenic.

NM_004425.4(ECM1):c.1246C>T (p.Arg416Ter)

Gene: ECM1 (extracellular matrix protein 1; plus strand). Cytogenetic location: 1q21.2.
Variant type: single nucleotide variant.
Coding change: c.1246C>T on transcript NM_004425.4 (MANE Select); coding-DNA position 1246, C replaced by T.
Protein change: p.Arg416Ter; replaces arginine 416 with a stop codon.
Molecular consequence: nonsense.
Genome position (GRCh38, 1-based): chr1:150,512,514, C>T. VCF-style: chr1-150512514-C-T. GRCh37 (hg19) VCF-style: chr1-150484990-C-T.
Other names: c.1327C>T, p.Arg443Ter (NM_001202858.2); c.871C>T, p.Arg291Ter (NM_022664.3); short protein forms R443*, R291*, R416*.
Identifiers: ClinVar variation 2585237 (VCV002585237.2), dbSNP rs762669789, ClinGen allele CA342334601.